The following is an entry in ClinVar:

NM_001009944.3(PKD1):c.8045dup (p.Cys2683fs)

Gene: PKD1 (polycystin 1, transient receptor potential channel interacting; minus strand). Cytogenetic location: 16p13.3.
Variant type: Duplication.
Coding change: c.8045dup on transcript NM_001009944.3 (MANE Select); coding-DNA position 8045, one base duplicated (C; older notation c.8045dupC).
Protein change: p.Cys2683fs; shifts the reading frame from cysteine 2683.
Molecular consequence: frameshift variant.
Genome position (GRCh38, 1-based): chr16:2,104,614, G duplicated on the plus strand (C on the coding strand, the reverse complement: PKD1 is on the minus strand). VCF-style (leftmost placement, unchanged base first): chr16-2104613-C-CG. GRCh37 (hg19) VCF-style: chr16-2154614-C-CG.
Other names: c.8045dup, p.Cys2683fs (NM_000296.4); c.8045dupC (NM_001009944.2); short protein forms C2683fs.
Identifiers: ClinVar variation 3254847 (VCV003254847.1), dbSNP rs2544758303.

ClinVar aggregate classification (germline): Pathogenic (1 of 4 stars; one submission).

Conditions:
Polycystic kidney disease, adult type (PKD1). Also called: Polycystic Kidney Disease 1, Autosomal Dominant; Polycystic kidney disease 1; Polycystic kidney disease 1, severe; POLYCYSTIC KIDNEY DISEASE 1 WITH OR WITHOUT POLYCYSTIC LIVER DISEASE; POLYCYSTIC KIDNEY DISEASE, ADULT, TYPE I; Polycystic Kidney, Autosomal Dominant. Identifiers: MedGen C3149841, MONDO:0008263, OMIM 173900.

Submission:

Victorian Clinical Genetics Services, Murdoch Childrens Research Institute
Classification: Pathogenic for Polycystic kidney disease, adult type. Last evaluated: 2023-07-17. Review status: criteria provided, single submitter. Criteria: ACMG Guidelines, 2015. Collection method: clinical testing. Allele origin: germline. Inheritance: Autosomal dominant inheritance. Affected: yes.
Comment: Based on the classification scheme VCGS_Germline_v1.3.4, this variant is classified as Pathogenic. Following criteria are met: 0102 - Loss of function is a known mechanism of disease in this gene and is associated with polycystic kidney disease 1 (MIM#173900). (I) 0107 - This gene is associated with autosomal dominant disease. Polycystic kidney disease 1 (MIM#173900) is predominantly caused by monoallelic variants, with rare reports of biallelic variants causing disease (OMIM). (I) 0201 - Variant is predicted to cause nonsense-mediated decay (NMD) and loss of protein (premature termination codon is located at least 54 nucleotides upstream of the final exon-exon junction). (SP) 0251 - This variant is heterozygous. (I) 0301 - Variant is absent from gnomAD (both v2 and v3). (SP) 0701 - Other NMD predicted variants comparable to the one identified in this case have very strong previous evidence for pathogenicity (DECIPHER). (SP) 0807 - This variant has no previous evidence of pathogenicity. (I) 0905 - No published segregation evidence has been identified for this variant. (I) 1007 - No published functional evidence has been identified for this variant. (I) 1208 - Inheritance information for this variant is not currently available in this individual. (I) Legend: (SP) - Supporting pathogenic, (I) - Information, (SB) - Supporting benign